The following is an entry in ClinVar:

NM_014780.5(CUL7):c.1331A>T (p.Asp444Val)

Gene: CUL7 (cullin 7; minus strand). Cytogenetic location: 6p21.1.
Variant type: single nucleotide variant.
Coding change: c.1331A>T on transcript NM_014780.5 (MANE Select); coding-DNA position 1331, A replaced by T.
Protein change: p.Asp444Val; replaces aspartic acid 444 with valine.
Molecular consequence: missense variant.
Genome position (GRCh38, 1-based): chr6:43,050,301, T>A on the plus strand (A>T on the coding strand, the complement: CUL7 is on the minus strand). VCF-style: chr6-43050301-T-A. GRCh37 (hg19) VCF-style: chr6-43018039-T-A.
Other names: c.1427A>T, p.Asp476Val (NM_001168370.2, NM_001374872.1); c.1331A>T, p.Asp444Val (NM_001374873.1, NM_001374874.1); short protein forms D444V, D476V.
Identifiers: ClinVar variation 2382429 (VCV002382429.4), dbSNP rs138600128, ClinGen allele CA3814168.
Genomic context (GRCh38, chr6:43,050,301, plus strand): 5'-GCTTCCTCCCTGAGCTCACCTCTACCCAGGACTCTACTGGCCACTGCCCCTTGGTACTCA[T>A]CAGCCTCAACCATGTCCTCAATGTCTTCCTCAAAGCCCAAGATCTCCAGCATGTGCCAGT-3'
Protein context (NP_055595.2, residues 434-454): EEDIEDMVEA[Asp444Val]EYQGAVASRV

ClinVar aggregate classification (germline): Uncertain significance. Review status: criteria provided, multiple submitters, no conflicts (2 of 4 stars). 2 submissions from 2 submitters: Uncertain significance (2). Last evaluated 2024-08-11.

Conditions:
Inborn genetic diseases. Identifiers: MedGen C0950123, MeSH D030342.

Allele frequency attached by ClinVar (database versions not stated): gnomAD exomes 0.00002; ExAC 0.00006; 1000 Genomes Project 30x 0.00016; 1000 Genomes Project 0.00020; ESP Exome Variant Server 0.00023; gnomAD 0.00023; TOPMed 0.00031.
gnomAD v4.1: 66 of 1,614,168 alleles (0.0041%); highest among the groups gnomAD compares: African/African-American, 0.065%; no homozygotes.

Submissions (2):

Ambry Genetics
Classification: Uncertain significance for Inborn genetic diseases. Last evaluated: 2024-08-11. Review status: criteria provided, single submitter. Criteria: Ambry Variant Classification Scheme 2023. Collection method: clinical testing. Allele origin: germline.

GeneDx
Classification: Uncertain significance. Last evaluated: 2023-12-11. Review status: criteria provided, single submitter. Criteria: GeneDx Variant Classification Process June 2021. Collection method: clinical testing. Allele origin: germline. Affected: yes.
Comment: In silico analysis supports that this missense variant does not alter protein structure/function; Has not been previously published as pathogenic or benign to our knowledge